The following is an entry in ClinVar:

NM_024529.5(CDC73):c.1466T>C (p.Val489Ala)

Gene: CDC73 (cell division cycle 73; plus strand). Cytogenetic location: 1q31.2.
Variant type: single nucleotide variant.
Coding change: c.1466T>C on transcript NM_024529.5 (MANE Select); coding-DNA position 1466, T replaced by C.
Protein change: p.Val489Ala; replaces valine 489 with alanine.
Molecular consequence: missense variant.
Genome position (GRCh38, 1-based): chr1:193,249,778, T>C. VCF-style: chr1-193249778-T-C. GRCh37 (hg19) VCF-style: chr1-193218908-T-C.
Other names: short protein forms V489A.
Identifiers: ClinVar variation 4742821 (VCV004742821.1).
Genomic context (GRCh38, chr1:193,249,778, plus strand): 5'-CCCTCTCTATAGTTAAAGCCTTCCATCTGAAGTATGATGAAGTTCGTCTGGATCCAAATG[T>C]TCAGAAATGGGATGTAACAGTATTAGAACTCAGCTATCACAAACGTCATTTGGATAGACC-3'
Protein context (NP_078805.3, residues 479-499): KYDEVRLDPN[Val489Ala]QKWDVTVLEL

ClinVar aggregate classification (germline): Uncertain significance (1 of 4 stars; one submission).

Conditions:
Parathyroid carcinoma (PRTC). Also called: Parathyroid gland carcinoma; CDC73-Related Parathyroid Carcinoma. Identifiers: Orphanet 143, MedGen C0687150, MONDO:0012004, OMIM 608266, HP:0006780.

Submission:

Labcorp Genetics (formerly Invitae), Labcorp
Classification: Uncertain significance for Parathyroid carcinoma. Last evaluated: 2025-11-14. Review status: criteria provided, single submitter. Criteria: Invitae Variant Classification Sherloc (09022015). Collection method: clinical testing. Allele origin: germline.
Comment: This sequence change replaces valine, which is neutral and non-polar, with alanine, which is neutral and non-polar, at codon 489 of the CDC73 protein (p.Val489Ala). This variant is not present in population databases (gnomAD no frequency). This variant has not been reported in the literature in individuals affected with CDC73-related conditions. Invitae Evidence Modeling of protein sequence and biophysical properties (such as structural, functional, and spatial information, amino acid conservation, physicochemical variation, residue mobility, and thermodynamic stability) indicates that this missense variant is expected to disrupt CDC73 protein function with a positive predictive value of 80%. In summary, the available evidence is currently insufficient to determine the role of this variant in disease. Therefore, it has been classified as a Variant of Uncertain Significance.